The following is an entry in ClinVar:

NM_000271.5(NPC1):c.2140C>T (p.Arg714Cys)

Gene: NPC1 (NPC intracellular cholesterol transporter 1; minus strand). Cytogenetic location: 18q11.2.
Variant type: single nucleotide variant.
Coding change: c.2140C>T on transcript NM_000271.5 (MANE Select); coding-DNA position 2140, C replaced by T.
Protein change: p.Arg714Cys; replaces arginine 714 with cysteine.
Molecular consequence: missense variant.
Genome position (GRCh38, 1-based): chr18:23,543,560, G>A on the plus strand (C>T on the coding strand, the complement: NPC1 is on the minus strand). VCF-style: chr18-23543560-G-A. GRCh37 (hg19) VCF-style: chr18-21123524-G-A.
Other names: p.Arg714Cys; c.2140C>T (NM_000271.4); short protein forms R714C.
Identifiers: ClinVar variation 1386174 (VCV001386174.9), dbSNP rs770762664, ClinGen allele CA8913195.

ClinVar aggregate classification (germline): Uncertain significance. Review status: criteria provided, multiple submitters, no conflicts (2 of 4 stars). 3 submissions from 3 submitters: Uncertain significance (2). 1 of the submissions does not count toward it. Last evaluated 2022-09-27.

Conditions:
NPC1-related disorder. Also called: NPC1-related condition.
Niemann-Pick disease, type C1. Also called: NIEMANN-PICK DISEASE, VARIANT TYPE C1; NEUROVISCERAL STORAGE DISEASE WITH VERTICAL SUPRANUCLEAR OPHTHALMOPLEGIA; NIEMANN-PICK DISEASE WITH CHOLESTEROL ESTERIFICATION BLOCK; NIEMANN-PICK DISEASE WITHOUT SPHINGOMYELINASE DEFICIENCY; NIEMANN-PICK DISEASE, CHRONIC NEURONOPATHIC FORM. Identifiers: Orphanet 646, MedGen C3179455, MONDO:0009757, OMIM 257220.

Allele frequency attached by ClinVar (database versions not stated): gnomAD exomes below 0.00001; ExAC 0.00001; gnomAD 0.00001.
gnomAD v4.1: 5 of 1,535,690 alleles (0.00033%); highest among the groups gnomAD compares: African/African-American, 0.0032%; no homozygotes.

Submissions (3):

Labcorp Genetics (formerly Invitae), Labcorp
Classification: Uncertain significance for Niemann-Pick disease, type C1. Last evaluated: 2022-09-27. Review status: criteria provided, single submitter. Criteria: Invitae Variant Classification Sherloc (09022015). Collection method: clinical testing. Allele origin: germline.
Comment: This sequence change replaces arginine, which is basic and polar, with cysteine, which is neutral and slightly polar, at codon 714 of the NPC1 protein (p.Arg714Cys). The frequency data for this variant in the population databases is considered unreliable, as metrics indicate poor data quality at this position in the gnomAD database. This variant has not been reported in the literature in individuals affected with NPC1-related conditions. ClinVar contains an entry for this variant (Variation ID: 1386174). Advanced modeling of protein sequence and biophysical properties (such as structural, functional, and spatial information, amino acid conservation, physicochemical variation, residue mobility, and thermodynamic stability) performed at Invitae indicates that this missense variant is expected to disrupt NPC1 protein function. Algorithms developed to predict the effect of sequence changes on RNA splicing suggest that this variant may disrupt the consensus splice site. In summary, the available evidence is currently insufficient to determine the role of this variant in disease. Therefore, it has been classified as a Variant of Uncertain Significance.

Mayo Clinic Laboratories, Mayo Clinic
Classification: Uncertain significance. Last evaluated: 2022-01-03. Review status: criteria provided, single submitter. Criteria: ACMG Guidelines, 2015. Collection method: clinical testing. Allele origin: germline.

PreventionGenetics, part of Exact Sciences
Classification: Uncertain significance for NPC1-related condition. Last evaluated: 2024-04-24. Review status: no assertion criteria provided. Collection method: clinical testing. Allele origin: germline. Not counted in ClinVar's aggregate classification.
Comment: The NPC1 c.2140C>T variant is predicted to result in the amino acid substitution p.Arg714Cys. To our knowledge, this variant has not been reported in the literature. This variant is reported in 0.0045% of alleles in individuals of African descent in gnomAD. At this time, the clinical significance of this variant is uncertain due to the absence of conclusive functional and genetic evidence.